The following is an entry in ClinVar:

ClinVar aggregate classification (germline): Uncertain significance (1 of 4 stars; one submission).

Conditions:
Inborn genetic diseases. Identifiers: MedGen C0950123, MeSH D030342.

gnomAD v4.1: 1 of 1,612,762 alleles (0.000062%); no homozygotes.

Submission:

Ambry Genetics
Classification: Uncertain significance for Inborn genetic diseases. Last evaluated: 2024-01-25. Review status: criteria provided, single submitter. Criteria: Ambry Variant Classification Scheme 2023. Collection method: clinical testing. Allele origin: germline.
Comment: The p.A459G variant (also known as c.1376C>G), located in coding exon 12 of the LRRK2 gene, results from a C to G substitution at nucleotide position 1376. The alanine at codon 459 is replaced by glycine, an amino acid with similar properties. This amino acid position is conserved. In addition, this alteration is predicted to be tolerated by in silico analysis. Since supporting evidence is limited at this time, the clinical significance of this alteration remains unclear.

NM_198578.4(LRRK2):c.1376C>G (p.Ala459Gly)

Gene: LRRK2 (leucine rich repeat kinase 2; plus strand). Cytogenetic location: 12q12.
Variant type: single nucleotide variant.
Coding change: c.1376C>G on transcript NM_198578.4 (MANE Select); coding-DNA position 1376, C replaced by G.
Protein change: p.Ala459Gly; replaces alanine 459 with glycine.
Molecular consequence: missense variant.
Genome position (GRCh38, 1-based): chr12:40,257,335, C>G. VCF-style: chr12-40257335-C-G. GRCh37 (hg19) VCF-style: chr12-40651137-C-G.
Other names: short protein forms A459G.
Identifiers: ClinVar variation 1771165 (VCV001771165.2), dbSNP rs2499538144, ClinGen allele CA384410726.